The following is an entry in ClinVar:

NM_000238.4(KCNH2):c.3098_3101dup (p.Arg1035fs)

Gene: KCNH2 (potassium voltage-gated channel subfamily H member 2; minus strand). Cytogenetic location: 7q36.1.
Variant type: Duplication.
Coding change: c.3098_3101dup on transcript NM_000238.4 (MANE Select); coding-DNA positions 3098 to 3101, 4 bases duplicated (GGCC; older notation c.3098_3101dupGGCC).
Protein change: p.Arg1035fs; shifts the reading frame from arginine 1035.
Molecular consequence: frameshift variant. On other transcripts: non-coding transcript variant (2).
Genome position (GRCh38, 1-based): chr7:150,947,379-150,947,382, GGCC duplicated on the plus strand (GGCC on the coding strand, the reverse complement: KCNH2 is on the minus strand); duplicating any 4 consecutive bases within chr7:150,947,379-150,947,383 gives the same sequence; the c. name uses the placement nearest the transcript's 3' end. VCF-style (leftmost placement, unchanged base first): chr7-150947378-G-GGGCC. GRCh37 (hg19) VCF-style: chr7-150644466-G-GGGCC.
Other names: c.2810_2813dup, p.Arg939fs (NM_001406753.1); c.2078_2081dup, p.Arg695fs (NM_172057.3); short protein forms R939fs, R695fs, R1035fs.
Identifiers: ClinVar variation 2745936 (VCV002745936.3), dbSNP rs2486004001, ClinGen allele CA2697557663.

ClinVar aggregate classification (germline): Pathogenic (1 of 4 stars; one submission).

Conditions:
Long QT syndrome (LQTS). Identifiers: MedGen C0023976, MeSH D008133, MONDO:0002442. Disease mechanism: loss of function. Inheritance: Various modes of inheritance.

Submission:

Labcorp Genetics (formerly Invitae), Labcorp
Classification: Pathogenic for Long QT syndrome. Last evaluated: 2025-04-28. Review status: criteria provided, single submitter. Criteria: Invitae Variant Classification Sherloc (09022015). Collection method: clinical testing. Allele origin: germline.
Comment: This sequence change creates a premature translational stop signal (p.Arg1035Alafs*85) in the KCNH2 gene. While this is not anticipated to result in nonsense mediated decay, it is expected to disrupt the last 125 amino acid(s) of the KCNH2 protein. This variant is not present in population databases (gnomAD no frequency). This variant has not been reported in the literature in individuals affected with KCNH2-related conditions. ClinVar contains an entry for this variant (Variation ID: 2745936). This variant disrupts a region of the KCNH2 protein in which other variant(s) (p.Glu1119*) have been determined to be pathogenic (PMID: 27920829). This suggests that this is a clinically significant region of the protein, and that variants that disrupt it are likely to be disease-causing. For these reasons, this variant has been classified as Pathogenic.

Literature cited by the submitters: PubMed 27920829.